The following is an entry in ClinVar:

ClinVar aggregate classification (germline): Conflicting classifications of pathogenicity. Review status: criteria provided, conflicting classifications (1 of 4 stars). 2 submissions from 2 submitters: Uncertain significance (1); Likely benign (1). Last evaluated 2025-11-25.

Conditions:
Retinoblastoma (RB1). Also called: RETINOBLASTOMA, SOMATIC. Identifiers: Orphanet 790, MedGen C0035335, MeSH D012175, MONDO:0008380, OMIM 180200, HP:0009919. Disease mechanism: loss of function. Inheritance: Both sporadic and heritable forms are tested..

Submissions (3):

Labcorp Genetics (formerly Invitae), Labcorp
Classification: Likely benign for Retinoblastoma. Last evaluated: 2025-11-25. Review status: criteria provided, single submitter. Criteria: Invitae Variant Classification Sherloc (09022015). Collection method: clinical testing. Allele origin: germline.

All of Us Research Program, National Institutes of Health
Classification: Uncertain significance for Retinoblastoma. Last evaluated: 2023-04-03. Review status: criteria provided, single submitter. Criteria: ACMG Guidelines, 2015. Collection method: clinical testing. Allele origin: germline. Inheritance: Autosomal dominant inheritance. Observed: 1 variant allele, 1 heterozygote.
Comment: This synonymous variant causes a C>A nucleotide change at residue 455 of the RB1 gene. Splice site prediction tools suggest that this variant may have a significant impact on RNA splicing. However, this prediction has not been confirmed in published RNA studies. To our knowledge, RNA studies have not been reported for this variant. This variant has not been reported in individuals affected with hereditary cancer in the literature. This variant has not been identified in the general population by the Genome Aggregation Database (gnomAD). The available evidence is insufficient to determine the role of this variant in disease conclusively. Therefore, this variant is classified as a Variant of Uncertain Significance.

This study involves interpretation of variants in research participants for the purpose of population health screening. Participant phenotype was not available at the time of variant classification. Additional details can be found in publication PMID: 35346344, PMCID: PMC8962531

Dr. Peter K. Rogan Lab, Western University
No classification provided (evidence only). Condition: Melanoma. Review status: no classification provided. Collection method: in vitro. Allele origin: not applicable. Functional consequence: skipped exon. Not counted in ClinVar's aggregate classification.

NM_000321.3(RB1):c.1363C>A (p.Arg455=)

Gene: RB1 (RB transcriptional corepressor 1; plus strand). Cytogenetic location: 13q14.2.
Variant type: single nucleotide variant.
Coding change: c.1363C>A on transcript NM_000321.3 (MANE Select); coding-DNA position 1363, C replaced by A.
Protein change: p.Arg455=; no amino-acid change (arginine 455 retained).
Molecular consequence: synonymous variant.
Genome position (GRCh38, 1-based): chr13:48,379,624, C>A. VCF-style: chr13-48379624-C-A. GRCh37 (hg19) VCF-style: chr13-48953760-C-A.
Other names: c.1363C>A, p.Arg455= (NM_001407165.1, NM_001407166.1).
Identifiers: ClinVar variation 3075644 (VCV003075644.3), dbSNP rs121913302, ClinGen allele CA483559225.
Genomic context (GRCh38, chr13:48,379,624, plus strand): 5'-GCTCTTATTTTTCTTTTTGTTTGTTTGTAGCGATACAAACTTGGAGTTCGCTTGTATTAC[C>A]GAGTAATGGAATCCATGCTTAAATCAGTAAGTTAAAAACAATATAAAAAAATTTCAGCCG-3'
Protein context (NP_000312.2, residues 445-465): RYKLGVRLYY[Arg455=]VMESMLKSEE